The following is an entry in ClinVar:

NM_000719.7(CACNA1C):c.3721T>C (p.Tyr1241His)

Gene: CACNA1C (calcium voltage-gated channel subunit alpha1 C; plus strand). Cytogenetic location: 12p13.33.
Variant type: single nucleotide variant.
Coding change: c.3721T>C on transcript NM_000719.7 (MANE Select); coding-DNA position 3721, T replaced by C.
Protein change: p.Tyr1241His; replaces tyrosine 1241 with histidine.
Molecular consequence: missense variant.
Genome position (GRCh38, 1-based): chr12:2,611,906, T>C. VCF-style: chr12-2611906-T-C. GRCh37 (hg19) VCF-style: chr12-2721072-T-C.
Other names: c.3781T>C, p.Tyr1261His (NM_001129827.2, NM_001129832.2, NM_199460.4); c.3721T>C, p.Tyr1241His (NM_001129829.2, NM_001129830.3, NM_001129831.2 and 15 more transcripts); c.3712T>C, p.Tyr1238His (NM_001129844.2); short protein forms Y1238H, Y1241H, Y1261H.
Identifiers: ClinVar variation 4845443 (VCV004845443.1).

ClinVar aggregate classification (germline): Uncertain significance (1 of 4 stars; one submission).

Submission:

Greenwood Genetic Center Diagnostic Laboratories, Greenwood Genetic Center
Classification: Uncertain significance. Last evaluated: 2025-11-06. Review status: criteria provided, single submitter. Criteria: ACMG Guidelines, 2015. Collection method: clinical testing. Allele origin: germline. Affected: yes.
Comment: PM2